The following is an entry in ClinVar:

ClinVar aggregate classification (germline): Uncertain significance. Review status: criteria provided, multiple submitters, no conflicts (2 of 4 stars). 2 submissions from 2 submitters: Uncertain significance (2). Last evaluated 2025-12-26.

Conditions:
Dilated cardiomyopathy 1FF (CMD1FF). Identifiers: Orphanet 154, MedGen C2750091, MONDO:0013211, OMIM 613286.
Cardiomyopathy, familial restrictive, 1. Identifiers: Orphanet 75249, MedGen C1861861, MONDO:0007270, OMIM 115210.
Hypertrophic cardiomyopathy 7. Also called: TNNI3-Related Familial Hypertrophic Cardiomyopathy; Familial hypertrophic cardiomyopathy 7; CARDIOMYOPATHY, FAMILIAL HYPERTROPHIC, 7, MODIFIER OF. Identifiers: MedGen C1860752, MONDO:0013369, OMIM 613690.
Hypertrophic cardiomyopathy. Also called: HYPERTROPHIC MYOCARDIOPATHY. Identifiers: Orphanet 217569, MedGen C0007194, MeSH D002312, MONDO:0005045, HP:0001639.

Allele frequency attached by ClinVar (database versions not stated): gnomAD 0.00001.

Submissions (2):

Labcorp Genetics (formerly Invitae), Labcorp
Classification: Uncertain significance for Hypertrophic cardiomyopathy. Last evaluated: 2025-12-26. Review status: criteria provided, single submitter. Criteria: Invitae Variant Classification Sherloc (09022015). Collection method: clinical testing. Allele origin: germline.
Comment: This sequence change falls in intron 3 of the TNNI3 gene. It does not directly change the encoded amino acid sequence of the TNNI3 protein. It affects a nucleotide within the consensus splice site. This variant is not present in population databases (gnomAD no frequency). This variant has not been reported in the literature in individuals affected with TNNI3-related conditions. ClinVar contains an entry for this variant (Variation ID: 237688). Variants that disrupt the consensus splice site are a relatively common cause of aberrant splicing (PMID: 17576681, 9536098). Algorithms developed to predict the effect of sequence changes on RNA splicing suggest that this variant is not likely to affect RNA splicing. In summary, the available evidence is currently insufficient to determine the role of this variant in disease. Therefore, it has been classified as a Variant of Uncertain Significance.

New York Genome Center
Classification: Uncertain significance for Cardiomyopathy, familial restrictive, 1; Hypertrophic cardiomyopathy 7; Dilated cardiomyopathy 1FF. Last evaluated: 2023-08-09. Review status: criteria provided, single submitter. Criteria: NYGC Assertion Criteria 2020. Collection method: clinical testing. Allele origin: germline. Observed: 1 heterozygote.
Comment: The c.108+4G>T variant in the TNNI3 gene has not previously been reported in the literature and it has been deposited in ClinVar [ClinVar ID: 237688] as a Variant of Uncertain Significance (1 submission). The c.108+4G>T variant is observed as a single heterozygous allele in population databases (gnomAD v2.1.1 and v3.1.2, TOPMed Freeze 8), suggesting it is not a common benign variant in the populations represented in those databases. The c.108+4G>T variant is located in intron 3 (of 7) of the TNNI3 gene and is predicted to have no significant effect on canonical mRNA splicing [Splice AI = 0.00]. However, there are no functional studies to support or refute all these in silico splicing predictions. Based on available evidence this c.108+4G>T variant identified in TNNI3 is classified as a Variant of Uncertain Significance.

Literature cited by the submitters: PubMed 17576681 (cited by Labcorp Genetics (formerly Invitae), Labcorp); PubMed 9536098 (cited by Labcorp Genetics (formerly Invitae), Labcorp).

NM_000363.5(TNNI3):c.108+4G>T

Gene: TNNI3 (troponin I3, cardiac type; minus strand). Cytogenetic location: 19q13.42.
Variant type: single nucleotide variant.
Coding change: c.108+4G>T on transcript NM_000363.5 (MANE Select); 4 bases into the intron after coding-DNA position 108, G replaced by T.
Molecular consequence: intron variant.
Genome position (GRCh38, 1-based): chr19:55,157,046, C>A on the plus strand (G>T on the coding strand, the complement: TNNI3 is on the minus strand). VCF-style: chr19-55157046-C-A. GRCh37 (hg19) VCF-style: chr19-55668414-C-A.
Other names: c.108+4G>T (LRG_432t1).
Identifiers: ClinVar variation 237688 (VCV000237688.7), dbSNP rs878853954, ClinGen allele CA10583866.